The following is an entry in ClinVar:

ClinVar aggregate classification (germline): Uncertain significance (1 of 4 stars; one submission).

Allele frequency attached by ClinVar (database versions not stated): TOPMed 0.00001.

Submission:

Ambry Genetics
Classification: Uncertain significance. Last evaluated: 2022-07-10. Review status: criteria provided, single submitter. Criteria: Ambry Variant Classification Scheme 2023. Collection method: clinical testing. Allele origin: germline.
Comment: The p.G398E variant (also known as c.1193G>A), located in coding exon 12 of the RASA2 gene, results from a G to A substitution at nucleotide position 1193. The glycine at codon 398 is replaced by glutamic acid, an amino acid with similar properties. This amino acid position is conserved. In addition, the in silico prediction for this alteration is inconclusive. Since supporting evidence is limited at this time, the clinical significance of this alteration remains unclear.

NM_006506.5(RASA2):c.1193G>A (p.Gly398Glu)

Gene: RASA2 (RAS p21 protein activator 2; plus strand). Cytogenetic location: 3q23.
Variant type: single nucleotide variant.
Coding change: c.1193G>A on transcript NM_006506.5 (MANE Select); coding-DNA position 1193, G replaced by A.
Protein change: p.Gly398Glu; replaces glycine 398 with glutamic acid.
Molecular consequence: missense variant.
Genome position (GRCh38, 1-based): chr3:141,572,632, G>A. VCF-style: chr3-141572632-G-A. GRCh37 (hg19) VCF-style: chr3-141291474-G-A.
Other names: c.1193G>A, p.Gly398Glu (NM_001303245.3, NM_001303246.3); short protein forms G398E.
Identifiers: ClinVar variation 1745468 (VCV001745468.2), dbSNP rs2082942493, ClinGen allele CA354777401.